The following is an entry in ClinVar:

ClinVar aggregate classification (germline): Uncertain significance (1 of 4 stars; one submission).

Conditions:
Hereditary cancer-predisposing syndrome. Also called: Neoplastic Syndromes, Hereditary; Tumor predisposition; Hereditary neoplastic syndrome; Hereditary Cancer Syndrome. Identifiers: Orphanet 140162, MedGen C0027672, MeSH D009386, MONDO:0015356.

Submission:

Ambry Genetics
Classification: Uncertain significance for Hereditary cancer-predisposing syndrome. Last evaluated: 2026-07-07. Review status: criteria provided, single submitter. Criteria: Ambry Variant Classification Scheme 2023. Collection method: clinical testing. Allele origin: germline.
Comment: The p.Y271H variant (also known as c.811T>C), located in coding exon 1 of the AXIN2 gene, results from a T to C substitution at nucleotide position 811. The tyrosine at codon 271 is replaced by histidine, an amino acid with similar properties. This amino acid position is conserved. In addition, this alteration is predicted to be tolerated by in silico analysis. Based on the available evidence, the clinical significance of this variant remains unclear.

NM_004655.4(AXIN2):c.811T>C (p.Tyr271His)

Gene: AXIN2 (axin 2; minus strand). Cytogenetic location: 17q24.1.
Variant type: single nucleotide variant.
Coding change: c.811T>C on transcript NM_004655.4 (MANE Select); coding-DNA position 811, T replaced by C.
Protein change: p.Tyr271His; replaces tyrosine 271 with histidine.
Molecular consequence: missense variant.
Genome position (GRCh38, 1-based): chr17:65,557,810, A>G on the plus strand (T>C on the coding strand, the complement: AXIN2 is on the minus strand). VCF-style: chr17-65557810-A-G. GRCh37 (hg19) VCF-style: chr17-63553928-A-G.
Other names: c.811T>C, p.Tyr271His (NM_001363813.1); short protein forms Y271H.
Identifiers: ClinVar variation 5032623 (VCV005032623.1).